The following is an entry in ClinVar:

NM_005188.4(CBL):c.1070C>G (p.Pro357Arg)

Gene: CBL (Cbl proto-oncogene; plus strand). Cytogenetic location: 11q23.3.
Variant type: single nucleotide variant.
Coding change: c.1070C>G on transcript NM_005188.4 (MANE Select); coding-DNA position 1070, C replaced by G.
Protein change: p.Pro357Arg; replaces proline 357 with arginine.
Molecular consequence: missense variant.
Genome position (GRCh38, 1-based): chr11:119,277,819, C>G. VCF-style: chr11-119277819-C-G. GRCh37 (hg19) VCF-style: chr11-119148529-C-G.
Other names: short protein forms P357R.
Identifiers: ClinVar variation 3996026 (VCV003996026.1).

ClinVar aggregate classification (germline): Uncertain significance (1 of 4 stars; one submission).

Conditions:
Cardiovascular phenotype. Identifiers: MedGen CN230736.

gnomAD v4.1: 1 of 1,613,582 alleles (0.000062%); highest among the groups gnomAD compares: Non-Finnish European, 0.000085%; no homozygotes.

Submission:

Ambry Genetics
Classification: Uncertain significance for Cardiovascular phenotype. Last evaluated: 2025-04-18. Review status: criteria provided, single submitter. Criteria: Ambry Variant Classification Scheme 2023. Collection method: clinical testing. Allele origin: germline.
Comment: The p.P357R variant (also known as c.1070C>G), located in coding exon 7 of the CBL gene, results from a C to G substitution at nucleotide position 1070. The proline at codon 357 is replaced by arginine, an amino acid with dissimilar properties. This amino acid position is conserved. In addition, this alteration is predicted to be deleterious by in silico analysis. Based on the available evidence, the clinical significance of this variant remains unclear.